The following is an entry in ClinVar:

ClinVar aggregate classification (germline): Likely benign. Review status: criteria provided, multiple submitters, no conflicts (2 of 4 stars). 3 submissions from 3 submitters: Likely benign (3). Last evaluated 2025-07-14.

Allele frequency attached by ClinVar (database versions not stated): gnomAD exomes below 0.00001; gnomAD 0.00001; TOPMed 0.00001; ExAC 0.00003.
gnomAD v4.1: 18 of 1,613,550 alleles (0.0011%); highest among the groups gnomAD compares: East Asian, 0.0089%; no homozygotes.

Submissions (3):

Mayo Clinic Laboratories, Mayo Clinic
Classification: Likely benign. Last evaluated: 2025-07-14. Review status: criteria provided, single submitter. Criteria: ACMG Guidelines, 2015. Collection method: clinical testing. Allele origin: germline. Observed: 1 variant allele.
Comment: BP4, BP7

Labcorp Genetics (formerly Invitae), Labcorp
Classification: Likely benign. Last evaluated: 2024-02-29. Review status: criteria provided, single submitter. Criteria: Invitae Variant Classification Sherloc (09022015). Collection method: clinical testing. Allele origin: germline.

Blueprint Genetics
Classification: Likely benign. Last evaluated: 2023-10-09. Review status: criteria provided, single submitter. Criteria: ACMG Guidelines, 2015. Collection method: clinical testing. Allele origin: germline.

NM_001034116.2(EIF2B4):c.279T>C (p.Ala93=)

Gene: EIF2B4 (eukaryotic translation initiation factor 2B subunit delta; minus strand). Cytogenetic location: 2p23.3.
Variant type: single nucleotide variant.
Coding change: c.279T>C on transcript NM_001034116.2 (MANE Select); coding-DNA position 279, T replaced by C.
Protein change: p.Ala93=; no amino-acid change (alanine 93 retained).
Molecular consequence: synonymous variant. On other transcripts: 5 prime UTR variant (2).
Genome position (GRCh38, 1-based): chr2:27,369,145, A>G on the plus strand (T>C on the coding strand, the complement: EIF2B4 is on the minus strand). VCF-style: chr2-27369145-A-G. GRCh37 (hg19) VCF-style: chr2-27592012-A-G.
Other names: p.Ala92=; c.276T>C (NM_015636.3); c.342T>C, p.Ala114= (NM_001318965.2); c.234T>C, p.Ala78= (NM_001318966.2); c.186T>C, p.Ala62= (NM_001318967.2); c.-237T>C (NM_001318968.2); c.-314T>C (NM_001318969.2); c.276T>C, p.Ala92= (NM_015636.4); and 1 more.
Identifiers: ClinVar variation 2883506 (VCV002883506.5), dbSNP rs373805172, ClinGen allele CA1576952.
Genomic context (GRCh38, chr2:27,369,145, plus strand): 5'-GGCCCGCTCGGCCTCCTGCTTGGCTCGACGCTCAGCCCGAAGTTCGGCCTTACTCCGACC[A>G]GCTGGAACTTTCTCCCGAGGAGTGCCCAACTGAATGCCCGATTCTGGCAGTTCTCTGGTT-3'
Protein context (NP_001029288.1, residues 83-103): QLGTPREKVP[Ala93=]GRSKAELRAE